The following is an entry in ClinVar:

ClinVar aggregate classification (germline): Pathogenic/Likely pathogenic. Review status: criteria provided, multiple submitters, no conflicts (2 of 4 stars). 4 submissions from 4 submitters: Pathogenic (2); Likely pathogenic (2). Last evaluated 2024-09-23.

Conditions:
Hereditary nonpolyposis colon cancer (HNPCC). Also called: Hereditary nonpolyposis colorectal cancer; Familial nonpolyposis colon cancer; Hereditary Nonpolyposis Colorectal Cancer Syndrome. Identifiers: Orphanet 443909, MedGen C1333990, MONDO:0018630. Disease mechanism: loss of function.
Hereditary nonpolyposis colorectal neoplasms. Identifiers: MedGen C0009405, MeSH D003123.
Lynch syndrome 5 (LYNCH5). Also called: Colorectal cancer, hereditary nonpolyposis, type 5; Hereditary non-polyposis colorectal cancer, type 5. Identifiers: Orphanet 144, MedGen C1833477, MONDO:0013710, OMIM 614350. Disease mechanism: loss of function.

Submissions (4):

Labcorp Genetics (formerly Invitae), Labcorp
Classification: Pathogenic for Hereditary nonpolyposis colorectal neoplasms. Last evaluated: 2024-09-23. Review status: criteria provided, single submitter. Criteria: Invitae Variant Classification Sherloc (09022015). Collection method: clinical testing. Allele origin: germline.
Comment: This sequence change creates a premature translational stop signal (p.Met868Cysfs*5) in the MSH6 gene. It is expected to result in an absent or disrupted protein product. Loss-of-function variants in MSH6 are known to be pathogenic (PMID: 18269114, 24362816). This variant is not present in population databases (gnomAD no frequency). This variant has not been reported in the literature in individuals affected with MSH6-related conditions. ClinVar contains an entry for this variant (Variation ID: 1301314). Algorithms developed to predict the effect of sequence changes on RNA splicing suggest that this variant may create or strengthen a splice site. For these reasons, this variant has been classified as Pathogenic.

Myriad Genetics, Inc.
Classification: Pathogenic for Lynch syndrome 5. Last evaluated: 2023-08-17. Review status: criteria provided, single submitter. Criteria: Myriad Autosomal Dominant, Autosomal Recessive and X-Linked Classification Criteria (2023). Collection method: clinical testing. Allele origin: unknown.
Comment: This variant is considered pathogenic. This variant creates a frameshift predicted to result in premature protein truncation.

Quest Diagnostics Nichols Institute San Juan Capistrano
Classification: Likely pathogenic. Last evaluated: 2023-07-27. Review status: criteria provided, single submitter. Criteria: Quest Diagnostics criteria. Collection method: clinical testing. Allele origin: unknown.
Comment: This variant alters the translational reading frame of the MSH6 mRNA and is predicted to cause the premature termination of MSH6 protein synthesis. This variant has not been reported in the published literature. It also has not been reported in large, multi-ethnic general populations (Genome Aggregation Database). Based on the available information, this variant is classified as likely pathogenic.

Women's Health and Genetics/Laboratory Corporation of America, LabCorp
Classification: Likely pathogenic for Hereditary nonpolyposis colon cancer. Last evaluated: 2021-09-04. Review status: criteria provided, single submitter. Criteria: LabCorp Variant Classification Summary - May 2015. Collection method: clinical testing. Allele origin: germline.
Comment: Variant summary: MSH6 c.2602delA (p.Met868CysfsX5) results in a premature termination codon, predicted to cause a truncation of the encoded protein or absence of the protein due to nonsense mediated decay, which are commonly known mechanisms for disease. Truncations downstream of this position have been classified as pathogenic by our laboratory. The variant was absent in 249856 control chromosomes. To our knowledge, no occurrence of c.2602delA in individuals affected with Lynch Syndrome and no experimental evidence demonstrating its impact on protein function have been reported. No clinical diagnostic laboratories have submitted clinical-significance assessments for this variant to ClinVar after 2014. Based on the evidence outlined above, the variant was classified as likely pathogenic.

Literature cited by the submitters: PubMed 18269114 (cited by Labcorp Genetics (formerly Invitae), Labcorp); PubMed 24362816 (cited by Labcorp Genetics (formerly Invitae), Labcorp).

NM_000179.3(MSH6):c.2602del (p.Met868fs)

Gene: MSH6 (mutS homolog 6; plus strand). Cytogenetic location: 2p16.3.
Variant type: Deletion.
Coding change: c.2602del on transcript NM_000179.3 (MANE Select); coding-DNA position 2602, one base deleted (A; older notation c.2602delA).
Protein change: p.Met868fs; shifts the reading frame from methionine 868.
Molecular consequence: frameshift variant.
Genome position (GRCh38, 1-based): chr2:47,800,585, A deleted; the last of 2 consecutive A bases (chr2:47,800,584-47,800,585); deleting either gives the same sequence. VCF-style (leftmost placement, unchanged base first): chr2-47800583-TA-T. GRCh37 (hg19) VCF-style: chr2-48027722-TA-T.
Other names: c.2212del, p.Met738fs (NM_001281492.2); c.1696del, p.Met566fs (NM_001281493.2, NM_001281494.2); c.2602del (NM_000179.2); c.2602delA (NM_000179.2); short protein forms M566fs, M738fs, M868fs.
Identifiers: ClinVar variation 1301314 (VCV001301314.9), dbSNP rs1572727797, ClinGen allele CA2573051971.
Genomic context (GRCh38, chr2:47,800,583, plus strand): 5'-AAACTACATACAGCAAGAAGAAGATTATTGATTTTCTTTCTGCTCTGGAAGGATTCAAAG[TA>T]ATGTGTAAAATTATAGGGATCATGGAAGAAGTTGCTGATGGTTTTAAGTCTAAAATCCTT-3'